The following is an entry in ClinVar:

ClinVar aggregate classification (germline): Uncertain significance (1 of 4 stars; one submission).

Conditions:
Inborn genetic diseases. Identifiers: MedGen C0950123, MeSH D030342.

gnomAD v4.1: 1 of 1,518,520 alleles (0.000066%); highest among the groups gnomAD compares: South Asian, 0.0011%; no homozygotes.

Submission:

Ambry Genetics
Classification: Uncertain significance for Inborn genetic diseases. Last evaluated: 2025-02-22. Review status: criteria provided, single submitter. Criteria: Ambry Variant Classification Scheme 2023. Collection method: clinical testing. Allele origin: germline.
Comment: The p.H1585Y variant (also known as c.4753C>T), located in coding exon 19 of the FANCM gene, results from a C to T substitution at nucleotide position 4753. The histidine at codon 1585 is replaced by tyrosine, an amino acid with similar properties. This amino acid position is conserved. In addition, this alteration is predicted to be tolerated by in silico analysis. Based on the available evidence, the clinical significance of this variant remains unclear.

NM_020937.4(FANCM):c.4753C>T (p.His1585Tyr)

Gene: FANCM (FA complementation group M; plus strand). Cytogenetic location: 14q21.2.
Variant type: single nucleotide variant.
Coding change: c.4753C>T on transcript NM_020937.4 (MANE Select); coding-DNA position 4753, C replaced by T.
Protein change: p.His1585Tyr; replaces histidine 1585 with tyrosine.
Molecular consequence: missense variant.
Genome position (GRCh38, 1-based): chr14:45,187,861, C>T. VCF-style: chr14-45187861-C-T. GRCh37 (hg19) VCF-style: chr14-45657064-C-T.
Other names: c.4675C>T, p.His1559Tyr (NM_001308133.2); short protein forms H1585Y, H1559Y.
Identifiers: ClinVar variation 3848755 (VCV003848755.1).